The following is an entry in ClinVar:

NM_000276.4(OCRL):c.300del (p.Asp100fs)

Gene: OCRL (OCRL inositol polyphosphate-5-phosphatase; plus strand). Cytogenetic location: Xq26.1.
Variant type: Deletion.
Coding change: c.300del on transcript NM_000276.4 (MANE Select); coding-DNA position 300, one base deleted (T; older notation c.300delT).
Protein change: p.Asp100fs; shifts the reading frame from aspartic acid 100.
Molecular consequence: frameshift variant.
Genome position (GRCh38, 1-based): chrX:129,557,386, T deleted. VCF-style (leftmost placement, unchanged base first): chrX-129557385-AT-A. GRCh37 (hg19) VCF-style: chrX-128691362-AT-A.
Other names: c.303del, p.Asp101fs (NM_001318784.2); c.300del, p.Asp100fs (NM_001587.4); short protein forms D100fs, D101fs.
Identifiers: ClinVar variation 3066348 (VCV003066348.1), dbSNP rs2521873170, ClinGen allele CA2740097973.

ClinVar aggregate classification (germline): Likely pathogenic (1 of 4 stars; one submission).

Conditions:
Dent disease type 2. Identifiers: Orphanet 1652, Orphanet 93623, MedGen C1845167, MONDO:0010359, OMIM 300555.

Submission:

MVZ Medizinische Genetik Mainz
Classification: Likely pathogenic for Dent disease type 2. Last evaluated: 2022-03-17. Review status: criteria provided, single submitter. Criteria: UK Practice Guidelines For Variant Classification V4 01 2020. Collection method: clinical testing. Allele origin: germline. Inheritance: X-linked dominant inheritance. Affected: yes. Observed: 1 variant allele.
Comment: ACMG Criteria: PVS1, PM2_SUP (ACMG Version 3)